The following is an entry in ClinVar:

ClinVar aggregate classification (germline): Uncertain significance (1 of 4 stars; one submission).

Submission:

Ambry Genetics
Classification: Uncertain significance. Last evaluated: 2024-11-03. Review status: criteria provided, single submitter. Criteria: Ambry Variant Classification Scheme 2023. Collection method: clinical testing. Allele origin: germline.
Comment: The p.G705R variant (also known as c.2113G>A), located in coding exon 18 of the RAD54L gene, results from a G to A substitution at nucleotide position 2113. The glycine at codon 705 is replaced by arginine, an amino acid with dissimilar properties. This amino acid position is conserved. In addition, this alteration is predicted to be tolerated by in silico analysis. Since supporting evidence is limited at this time, the clinical significance of this alteration remains unclear.

NM_003579.4(RAD54L):c.2113G>A (p.Gly705Arg)

Genes: LRRC41 (leucine rich repeat containing 41; minus strand), RAD54L (RAD54 like; plus strand). Cytogenetic location: 1p34.1.
Variant type: single nucleotide variant.
Coding change: c.2113G>A on transcript NM_003579.4 (MANE Select); coding-DNA position 2113, G replaced by A.
Protein change: p.Gly705Arg; replaces glycine 705 with arginine.
Molecular consequence: missense variant. On other transcripts: 3 prime UTR variant (1).
Genome position (GRCh38, 1-based): chr1:46,278,151, G>A. VCF-style: chr1-46278151-G-A. GRCh37 (hg19) VCF-style: chr1-46743823-G-A.
Other names: c.*714C>T (NM_006369.5); c.2113G>A, p.Gly705Arg (NM_001142548.2); c.1573G>A, p.Gly525Arg (NM_001370766.1); short protein forms G525R, G705R.
Identifiers: ClinVar variation 1786141 (VCV001786141.3), dbSNP rs2148308930, ClinGen allele CA340191172.